The following is an entry in ClinVar:

ClinVar aggregate classification (germline): Likely benign (0 of 4 stars; one submission).

Conditions:
LAMA5-related disorder. Also called: LAMA5-Related Disorders; LAMA5-related condition.

Allele frequency attached by ClinVar (database versions not stated): gnomAD exomes below 0.00001.
gnomAD v4.1: 2 of 1,600,442 alleles (0.00012%); highest among the groups gnomAD compares: Non-Finnish European, 0.00017%; no homozygotes.

Submission:

PreventionGenetics, part of Exact Sciences
Classification: Likely benign for LAMA5-related condition. Last evaluated: 2022-09-12. Review status: no assertion criteria provided. Collection method: clinical testing. Allele origin: germline.
Comment: This variant is classified as likely benign based on ACMG/AMP sequence variant interpretation guidelines (Richards et al. 2015 PMID: 25741868, with internal and published modifications).

NM_005560.6(LAMA5):c.9144G>A (p.Val3048=)

Gene: LAMA5 (laminin subunit alpha 5; minus strand). Cytogenetic location: 20q13.33.
Variant type: single nucleotide variant.
Coding change: c.9144G>A on transcript NM_005560.6 (MANE Select); coding-DNA position 9144, G replaced by A.
Protein change: p.Val3048=; no amino-acid change (valine 3048 retained).
Molecular consequence: synonymous variant.
Genome position (GRCh38, 1-based): chr20:62,312,715, C>T on the plus strand (G>A on the coding strand, the complement: LAMA5 is on the minus strand). VCF-style: chr20-62312715-C-T. GRCh37 (hg19) VCF-style: chr20-60887771-C-T.
Identifiers: ClinVar variation 3048446 (VCV003048446.2), dbSNP rs2516653788, ClinGen allele CA511325616.